The following is an entry in ClinVar:

ClinVar aggregate classification (germline): Pathogenic. Review status: criteria provided, multiple submitters, no conflicts (2 of 4 stars). 2 submissions from 2 submitters: Pathogenic (2). Last evaluated 2024-06-26.

Conditions:
Focal segmental glomerulosclerosis 9 (FSGS9). Identifiers: Orphanet 656, MedGen C4015555, MONDO:0014539, OMIM 616220.
Ventriculomegaly-cystic kidney disease. Also called: Ventriculomegaly with cystic kidney disease. Identifiers: Orphanet 443988, MedGen C1857423, MONDO:0009063, OMIM 219730.

gnomAD v4.1: 6 of 1,596,498 alleles (0.00038%); highest among the groups gnomAD compares: East Asian, 0.011%; no homozygotes.

Submissions (2):

3billion
Classification: Pathogenic for Focal segmental glomerulosclerosis 9. Last evaluated: 2024-06-26. Review status: criteria provided, single submitter. Criteria: ACMG Guidelines, 2015. Collection method: clinical testing. Allele origin: germline. Affected: yes.
Comment: The variant is observed at an extremely low frequency in the gnomAD v4.0.0 dataset (total allele frequency: <0.001%). Predicted Consequence/Location: Stop-gained (nonsense): predicted to result in a loss or disruption of normal protein function through nonsense-mediated decay (NMD) or protein truncation. Multiple pathogenic variants are reported downstream of the variant. The variant has been reported to be associated with CRB2 related disorder (PMID: 30212996). Therefore, this variant is classified as Pathogenic according to the recommendation of ACMG/AMP guideline.

Juno Genomics, Hangzhou Juno Genomics, Inc
Classification: Pathogenic for Focal segmental glomerulosclerosis 9; Ventriculomegaly-cystic kidney disease. Review status: criteria provided, single submitter. Criteria: ACMG Guidelines, 2015. Collection method: clinical testing. Allele origin: germline.
Comment: Null variant in a gene where loss of function (LOF) is a known mechanism of disease.;Absent from controls (or at extremely low frequency if recessive) in Genome Aggregation Database.;Patient's phenotype or family history is highly specific for a disease with a single genetic etiology.

Literature cited by the submitters: PubMed 30212996 (cited by 3billion).

NM_173689.7(CRB2):c.445G>T (p.Glu149Ter)

Gene: CRB2 (crumbs cell polarity complex component 2; plus strand). Cytogenetic location: 9q33.3.
Variant type: single nucleotide variant.
Coding change: c.445G>T on transcript NM_173689.7 (MANE Select); coding-DNA position 445, G replaced by T.
Protein change: p.Glu149Ter; replaces glutamic acid 149 with a stop codon.
Molecular consequence: nonsense.
Genome position (GRCh38, 1-based): chr9:123,365,943, G>T. VCF-style: chr9-123365943-G-T. GRCh37 (hg19) VCF-style: chr9-126128222-G-T.
Other names: short protein forms E149*.
Identifiers: ClinVar variation 4292766 (VCV004292766.3).